The following is an entry in ClinVar:

ClinVar aggregate classification (germline): Likely benign. Review status: criteria provided, multiple submitters, no conflicts (2 of 4 stars). 2 submissions from 2 submitters: Likely benign (2). Last evaluated 2026-06-01.

gnomAD v4.1: 636 of 1,614,084 alleles (0.039%); highest among the groups gnomAD compares: Non-Finnish European, 0.049%; 1 homozygote.

Submissions (2):

CeGaT Center for Human Genetics Tuebingen
Classification: Likely benign. Last evaluated: 2026-06-01. Review status: criteria provided, single submitter. Criteria: CeGaT Center For Human Genetics Tuebingen Variant Classification Criteria Version 2. Collection method: clinical testing. Allele origin: germline. Affected: yes. Observed: 3 variant alleles.
Comment: SPEN: BP4, BS2

Blueprint Genetics
Classification: Likely benign. Last evaluated: 2024-10-01. Review status: criteria provided, single submitter. Criteria: ACMG Guidelines, 2015. Collection method: clinical testing. Allele origin: germline.

NM_015001.3(SPEN):c.3812A>C (p.Glu1271Ala)

Gene: SPEN (spen family transcriptional repressor; plus strand). Cytogenetic location: 1p36.13.
Variant type: single nucleotide variant.
Coding change: c.3812A>C on transcript NM_015001.3 (MANE Select); coding-DNA position 3812, A replaced by C.
Protein change: p.Glu1271Ala; replaces glutamic acid 1271 with alanine.
Molecular consequence: missense variant.
Genome position (GRCh38, 1-based): chr1:15,930,052, A>C. VCF-style: chr1-15930052-A-C. GRCh37 (hg19) VCF-style: chr1-16256547-A-C.
Other names: short protein forms E1271A.
Identifiers: ClinVar variation 3388475 (VCV003388475.15).